The following is an entry in ClinVar:

ClinVar aggregate classification (germline): Uncertain significance (1 of 4 stars; one submission).

Submission:

Labcorp Genetics (formerly Invitae), Labcorp
Classification: Uncertain significance. Last evaluated: 2024-02-14. Review status: criteria provided, single submitter. Criteria: Invitae Variant Classification Sherloc (09022015). Collection method: clinical testing. Allele origin: germline.
Comment: This sequence change falls in intron 1 of the MTHFS gene. It does not directly change the encoded amino acid sequence of the MTHFS protein. It affects a nucleotide within the consensus splice site. This variant is not present in population databases (gnomAD no frequency). This variant has not been reported in the literature in individuals affected with MTHFS-related conditions. Variants that disrupt the consensus splice site are a relatively common cause of aberrant splicing (PMID: 17576681, 9536098). Algorithms developed to predict the effect of sequence changes on RNA splicing suggest that this variant is not likely to affect RNA splicing. In summary, the available evidence is currently insufficient to determine the role of this variant in disease. Therefore, it has been classified as a Variant of Uncertain Significance.

Literature cited by the submitters: PubMed 17576681; PubMed 9536098.

NM_006441.4(MTHFS):c.117+6A>C

Genes: MTHFS (methenyltetrahydrofolate synthetase; minus strand), ST20-MTHFS (ST20-MTHFS readthrough; minus strand). Cytogenetic location: 15q25.1.
Variant type: single nucleotide variant.
Coding change: c.117+6A>C on transcript NM_006441.4 (MANE Select); 6 bases into the intron after coding-DNA position 117, A replaced by C.
Molecular consequence: intron variant. On other transcripts: non-coding transcript variant (1).
Genome position (GRCh38, 1-based): chr15:79,896,866, T>G on the plus strand (A>C on the coding strand, the complement: MTHFS is on the minus strand). VCF-style: chr15-79896866-T-G. GRCh37 (hg19) VCF-style: chr15-80189208-T-G.
Other names: c.46-7512A>C (NM_001199760.2); c.-55+295A>C (NM_001199758.1).
Identifiers: ClinVar variation 3680157 (VCV003680157.2).
Genomic context (GRCh38, chr15:79,896,866, plus strand): 5'-AATCGCTGGCCGCCAGGCCTTCGGAGGGTCTGTCCGCCGCGGCTTCCGCTACGGGCGGCC[T>G]CGCACCTTCTGGCTCAGTACGCGGGACTGGCGTAGCCGCTCCTCGGCACTCATCGCCCGC-3'